The following is an entry in ClinVar:

NM_007194.4(CHEK2):c.908+3_908+8del

Gene: CHEK2 (checkpoint kinase 2; minus strand). Cytogenetic location: 22q12.1.
Variant type: Deletion.
Coding change: c.908+3_908+8del on transcript NM_007194.4 (MANE Select); bases 3 to 8 of the intron after coding-DNA position 908, 6 bases deleted (AAGTAG; older notation c.908+3_908+8delAAGTAG).
Molecular consequence: intron variant.
Genome position (GRCh38, 1-based): chr22:28,703,497-28,703,502, CTACTT deleted on the plus strand (AAGTAG on the coding strand, the reverse complement: CHEK2 is on the minus strand). VCF-style (leftmost placement, unchanged base first): chr22-28703496-ACTACTT-A. GRCh37 (hg19) VCF-style: chr22-29099484-ACTACTT-A.
Other names: c.245+3_245+8del (NM_001437942.1, NM_001257387.3); c.707+3_707+8del (NM_001349956.3); c.908+3_908+8del (NM_145862.3); c.1001+3_1001+8del (NM_001438295.1, NM_001438293.1); c.1037+3_1037+8del (NM_001438294.1, NM_001005735.3).
Identifiers: ClinVar variation 4833977 (VCV004833977.1).

ClinVar aggregate classification (germline): Uncertain significance (1 of 4 stars; one submission).

Conditions:
Hereditary cancer-predisposing syndrome. Also called: Neoplastic Syndromes, Hereditary; Tumor predisposition; Hereditary Cancer Syndrome; Hereditary neoplastic syndrome. Identifiers: Orphanet 140162, MedGen C0027672, MeSH D009386, MONDO:0015356.

Submission:

Ambry Genetics
Classification: Uncertain significance for Hereditary cancer-predisposing syndrome. Last evaluated: 2026-03-02. Review status: criteria provided, single submitter. Criteria: Ambry Variant Classification Scheme 2023. Collection method: clinical testing. Allele origin: germline.
Comment: The c.908+3_908+8delAAGTAG intronic variant is located 3 nucleotides after coding exon 7 in the CHEK2 gene. This variant results from a deletion of 6 nucleotides at positions c.908+3 to c.908+8. These nucleotide positions are well conserved in available vertebrate species. In silico splice site analysis predicts that this alteration will weaken the native splice donor site. Based on the available evidence, the clinical significance of this variant remains unclear.